The following is an entry in ClinVar:

NC_000011.9:g.(?_47459516)_(47464376_?)del

Gene: RAPSN (receptor associated protein of the synapse; minus strand). Cytogenetic location: 11p11.2.
Variant type: Deletion.
Identifiers: ClinVar variation 3244679 (VCV003244679.1).

ClinVar aggregate classification (germline): Pathogenic (1 of 4 stars; one submission).

Conditions:
Congenital myasthenic syndrome 11. Also called: MYASTHENIC SYNDROME, CONGENITAL, Ie; Myasthenic syndrome, congenital, 11, associated with acetylcholine receptor deficiency. Identifiers: Orphanet 590, MedGen C4225367, MONDO:0014588, OMIM 616326.
Fetal akinesia deformation sequence 1 (FADS1). Also called: Pena-Shokeir syndrome type I; Fetal akinesia sequence. Identifiers: Orphanet 994, MedGen C1276035, MONDO:0100101, OMIM 208150, HP:0001989.

Submission:

Labcorp Genetics (formerly Invitae), Labcorp
Classification: Pathogenic for Congenital myasthenic syndrome 11; Fetal akinesia deformation sequence 1. Last evaluated: 2022-11-12. Review status: criteria provided, single submitter. Criteria: Invitae Variant Classification Sherloc (09022015). Collection method: clinical testing. Allele origin: unknown.
Comment: This variant disrupts a region of the RAPSN protein in which other variant(s) (p.Gly291Asp) have been determined to be pathogenic (PMID: 12796535). This suggests that this is a clinically significant region of the protein, and that variants that disrupt it are likely to be disease-causing. This variant has not been reported in the literature in individuals affected with RAPSN-related conditions. This variant is a gross deletion of the genomic region encompassing exon(s) 3-8 of the RAPSN gene, which includes the termination codon. This deletion extends beyond the assayed region for this gene and therefore may encompass additional genes. While this deletion is not anticipated to lead to nonsense mediated decay, it is expected to alter mRNA translation or result in a truncated protein product. For these reasons, this variant has been classified as Pathogenic.

Literature cited by the submitters: PubMed 12796535.